The following is an entry in ClinVar:

ClinVar aggregate classification (germline): Likely benign. Review status: criteria provided, multiple submitters, no conflicts (2 of 4 stars). 4 submissions from 4 submitters: Likely benign (4). Last evaluated 2025-03-12.

Conditions:
Hereditary cancer-predisposing syndrome. Also called: Hereditary neoplastic syndrome; Neoplastic Syndromes, Hereditary; Tumor predisposition; Hereditary Cancer Syndrome. Identifiers: Orphanet 140162, MedGen C0027672, MeSH D009386, MONDO:0015356.

Submissions (4):

Women's Health and Genetics/Laboratory Corporation of America, LabCorp
Classification: Likely benign. Last evaluated: 2025-03-12. Review status: criteria provided, single submitter. Criteria: LabCorp Variant Classification Summary - May 2015. Collection method: clinical testing. Allele origin: germline.
Comment: Variant summary: BRCA2 c.4561_4563delinsTTG results in a synonymous change. Consensus agreement among computation tools predict no significant impact on normal splicing. However, these predictions have yet to be confirmed by functional studies. The variant allele was found at a frequency of 1.2e-05 in 250592 control chromosomes. The available data on variant occurrences in the general population are insufficient to allow any conclusion about variant significance. To our knowledge, no occurrence of c.4561_4563delinsTTG in individuals affected with Hereditary Breast And Ovarian Cancer Syndrome and no experimental evidence demonstrating its impact on protein function have been reported. ClinVar contains an entry for this variant (Variation ID: 421625). Based on the evidence outlined above, the variant was classified as likely benign.

Ambry Genetics
Classification: Likely benign for Hereditary cancer-predisposing syndrome. Last evaluated: 2022-06-27. Review status: criteria provided, single submitter. Criteria: Ambry Variant Classification Scheme 2023. Collection method: clinical testing. Allele origin: germline.

Color Diagnostics, LLC DBA Color Health
Classification: Likely benign for Hereditary cancer-predisposing syndrome. Last evaluated: 2016-07-22. Review status: criteria provided, single submitter. Criteria: ACMG Guidelines, 2015. Collection method: clinical testing. Allele origin: germline.

GeneDx
Classification: Likely benign. Last evaluated: 2016-07-06. Review status: criteria provided, single submitter. Criteria: GeneDx Variant Classification (06012015). Collection method: clinical testing. Allele origin: germline. Affected: yes.
Comment: This variant is considered likely benign or benign based on one or more of the following criteria: it is a conservative change, it occurs at a poorly conserved position in the protein, it is predicted to be benign by multiple in silico algorithms, and/or has population frequency not consistent with disease.

NM_000059.4(BRCA2):c.4561_4563delinsTTG (p.Leu1521=)

Gene: BRCA2 (BRCA2 DNA repair associated; plus strand). Cytogenetic location: 13q13.1.
Variant type: Indel.
Coding change: c.4561_4563delinsTTG on transcript NM_000059.4 (MANE Select); coding-DNA positions 4561 to 4563, CTA replaced by TTG.
Protein change: p.Leu1521=; no amino-acid change (leucine 1521 retained).
Molecular consequence: synonymous variant.
Genome position (GRCh38, 1-based): chr13:32,338,916-32,338,918, CTA replaced by TTG. VCF-style: chr13-32338916-CTA-TTG. GRCh37 (hg19) VCF-style: chr13-32913053-CTA-TTG.
Other names: c.4561_4563delCTAinsTTG (NM_000059.3).
Identifiers: ClinVar variation 421625 (VCV000421625.6), dbSNP rs1064795258, ClinGen allele CA16619712.